The following is an entry in ClinVar:

NM_021147.5(CCNO):c.906del (p.Leu303fs)

Gene: CCNO (cyclin O; minus strand). Cytogenetic location: 5q11.2.
Variant type: Deletion.
Coding change: c.906del on transcript NM_021147.5 (MANE Select); coding-DNA position 906, one base deleted (C; older notation c.906delC).
Protein change: p.Leu303fs; shifts the reading frame from leucine 303.
Molecular consequence: frameshift variant. On other transcripts: non-coding transcript variant (3).
Genome position (GRCh38, 1-based): chr5:55,231,522, G deleted on the plus strand (C on the coding strand, the reverse complement: CCNO is on the minus strand). VCF-style (leftmost placement, unchanged base first): chr5-55231521-AG-A. GRCh37 (hg19) VCF-style: chr5-54527349-AG-A.
Other names: short protein forms L303fs.
Identifiers: ClinVar variation 1333420 (VCV001333420.1), dbSNP rs2111713642, ClinGen allele CA2573052515.

ClinVar aggregate classification (germline): Pathogenic (1 of 4 stars; one submission).

Conditions:
Primary ciliary dyskinesia 29. Also called: CILIARY DYSKINESIA, PRIMARY, 29, WITHOUT SITUS INVERSUS. Identifiers: Orphanet 244, MedGen C4014534, MONDO:0014378, OMIM 615872.

Submission:

3billion
Classification: Pathogenic for Primary ciliary dyskinesia 29. Last evaluated: 2022-01-03. Review status: criteria provided, single submitter. Criteria: ACMG Guidelines, 2015. Collection method: clinical testing. Allele origin: germline. Affected: yes. Observed: 1 homozygote.
Comment: Frameshift: predicted to result in a loss or disruption of normal protein function through protein truncation. Multiple pathogenic variants are reported in the predicted truncated region (PVS1_S).The variant has been reported to be associated with CCNO related disorder (3billion dataset).The variant was co-segregated with Ciliary dyskinesia, primary, 29 in multiple affected family members (PP1_P). It is not observed in the gnomAD v2.1.1 dataset (PM2_M). Therefore, this variant is classified as pathogenic according to the recommendation of ACMG/AMP guideline.